The following is an entry in ClinVar:

ClinVar aggregate classification (germline): Uncertain significance (1 of 4 stars; one submission).

Conditions:
Xeroderma pigmentosum, group C (XPC). Also called: Xeroderma pigmentosum, complementation group C; XPC-Related Xeroderma Pigmentosum; XERODERMA PIGMENTOSUM III; XP, GROUP C. Identifiers: Orphanet 910, MedGen C2752147, MONDO:0010211, OMIM 278720.

Allele frequency attached by ClinVar (database versions not stated): gnomAD exomes 0.00001 and 0.00003; ExAC 0.00003.
gnomAD v4.1: 7 of 1,605,858 alleles (0.00044%); highest among the groups gnomAD compares: Admixed American, 0.012%; no homozygotes.

Submission:

Baylor Genetics
Classification: Uncertain significance for Xeroderma pigmentosum, group C. Last evaluated: 2019-04-17. Review status: criteria provided, single submitter. Criteria: ACMG Guidelines, 2015. Collection method: clinical testing. Allele origin: unknown. Affected: yes. Study: CSER-TexasKidsCanSeq.
Comment: This variant was determined to be of uncertain significance according to ACMG Guidelines, 2015 [PMID:25741868].

NM_004628.5(XPC):c.728G>A (p.Arg243Lys)

Gene: XPC (XPC complex subunit, DNA damage recognition and repair factor; minus strand). Cytogenetic location: 3p25.1.
Variant type: single nucleotide variant.
Coding change: c.728G>A on transcript NM_004628.5 (MANE Select); coding-DNA position 728, G replaced by A.
Protein change: p.Arg243Lys; replaces arginine 243 with lysine.
Molecular consequence: missense variant. On other transcripts: non-coding transcript variant (2).
Genome position (GRCh38, 1-based): chr3:14,165,479, C>T on the plus strand (G>A on the coding strand, the complement: XPC is on the minus strand). VCF-style: chr3-14165479-C-T. GRCh37 (hg19) VCF-style: chr3-14206979-C-T.
Other names: c.149G>A, p.Arg50Lys (NM_001354726.2); c.728G>A, p.Arg243Lys (NM_001354727.2, NM_001354730.2); c.710G>A, p.Arg237Lys (NM_001354729.2); short protein forms R237K, R243K, R50K.
Identifiers: ClinVar variation 998250 (VCV000998250.1), dbSNP rs762480645, ClinGen allele CA2267614.